The following is an entry in ClinVar:

NM_001042492.3(NF1):c.1455_1456del (p.Glu485fs)

Gene: NF1 (neurofibromin 1; plus strand). Cytogenetic location: 17q11.2.
Variant type: Microsatellite.
Coding change: c.1455_1456del on transcript NM_001042492.3 (MANE Select); coding-DNA positions 1455 to 1456, 2 bases deleted (GA; older notation c.1455_1456delGA).
Protein change: p.Glu485fs; shifts the reading frame from glutamic acid 485.
Molecular consequence: frameshift variant.
Genome position (GRCh38, 1-based): chr17:31,214,513-31,214,514, GA deleted; deleting any 2 consecutive bases within chr17:31,214,511-31,214,514 gives the same sequence; the c. name uses the placement nearest the transcript's 3' end. VCF-style (leftmost placement, unchanged base first): chr17-31214510-GGA-G. GRCh37 (hg19) VCF-style: chr17-29541528-GGA-G.
Other names: c.1453_1454GA[1], p.Glu485Aspfs (NM_000267.4); c.1455_1456del, p.Glu485fs (NM_001128147.3); short protein forms E485fs.
Identifiers: ClinVar variation 1452028 (VCV001452028.6), dbSNP rs2143959428, ClinGen allele CA2580614053.
Genomic context (GRCh38, chr17:31,214,510, plus strand): 5'-GAGTCTTACATTTAAAGAAAAAGTAACAAGCCTTAAATTTAAAGAAAAACCTACAGACCT[GGA>G]GACAAGAAGCTATAAGTATCTTCTCTTGTCCATGGTGAAACTAATTCATGCAGATCCAAA-3'

ClinVar aggregate classification (germline): Pathogenic (1 of 4 stars; one submission).

Conditions:
Neurofibromatosis, type 1 (NF1). Also called: NEUROFIBROMATOSIS, TYPE I, SOMATIC; VON RECKLINGHAUSEN DISEASE; Peripheral type neurofibromatosis; Neurofibromatosis, type I. Identifiers: Orphanet 636, MedGen C0027831, MONDO:0018975, OMIM 162200. Disease mechanism: loss of function.

Submission:

Labcorp Genetics (formerly Invitae), Labcorp
Classification: Pathogenic for Neurofibromatosis, type 1. Last evaluated: 2022-11-01. Review status: criteria provided, single submitter. Criteria: Invitae Variant Classification Sherloc (09022015). Collection method: clinical testing. Allele origin: germline.
Comment: For these reasons, this variant has been classified as Pathogenic. ClinVar contains an entry for this variant (Variation ID: 1452028). This variant has not been reported in the literature in individuals affected with NF1-related conditions. This variant is not present in population databases (gnomAD no frequency). This sequence change creates a premature translational stop signal (p.Glu485Aspfs*5) in the NF1 gene. It is expected to result in an absent or disrupted protein product. Loss-of-function variants in NF1 are known to be pathogenic (PMID: 10712197, 23913538).

Literature cited by the submitters: PubMed 10712197; PubMed 23913538.